The following is an entry in ClinVar:

ClinVar aggregate classification (germline): Uncertain significance (1 of 4 stars; one submission).

Conditions:
Epileptic encephalopathy. Identifiers: MedGen C0543888, HP:0200134.

Submission:

Labcorp Genetics (formerly Invitae), Labcorp
Classification: Uncertain significance for Epileptic encephalopathy. Last evaluated: 2022-07-25. Review status: criteria provided, single submitter. Criteria: Invitae Variant Classification Sherloc (09022015). Collection method: clinical testing. Allele origin: germline.
Comment: In summary, the available evidence is currently insufficient to determine the role of this variant in disease. Therefore, it has been classified as a Variant of Uncertain Significance. Algorithms developed to predict the effect of missense changes on protein structure and function (SIFT, PolyPhen-2, Align-GVGD) all suggest that this variant is likely to be tolerated. ClinVar contains an entry for this variant (Variation ID: 936878). This variant has not been reported in the literature in individuals affected with FASN-related conditions. This variant is not present in population databases (gnomAD no frequency). This sequence change replaces threonine, which is neutral and polar, with asparagine, which is neutral and polar, at codon 463 of the FASN protein (p.Thr463Asn).

NM_004104.5(FASN):c.1388C>A (p.Thr463Asn)

Gene: FASN (fatty acid synthase; minus strand). Cytogenetic location: 17q25.3.
Variant type: single nucleotide variant.
Coding change: c.1388C>A on transcript NM_004104.5 (MANE Select); coding-DNA position 1388, C replaced by A.
Protein change: p.Thr463Asn; replaces threonine 463 with asparagine.
Molecular consequence: missense variant.
Genome position (GRCh38, 1-based): chr17:82,091,326, G>T on the plus strand (C>A on the coding strand, the complement: FASN is on the minus strand). VCF-style: chr17-82091326-G-T. GRCh37 (hg19) VCF-style: chr17-80049202-G-T.
Other names: short protein forms T463N.
Identifiers: ClinVar variation 936878 (VCV000936878.9), dbSNP rs2034202857, ClinGen allele CA401560549.